The following is an entry in ClinVar:

ClinVar aggregate classification (germline): Benign (1 of 4 stars; one submission).

gnomAD v4.1: 21,622 of 1,612,054 alleles (1.3%); highest among the groups gnomAD compares: Middle Eastern, 4%; 176 homozygotes.

Submission:

CeGaT Center for Human Genetics Tuebingen
Classification: Benign. Last evaluated: 2024-08-01. Review status: criteria provided, single submitter. Criteria: CeGaT Center For Human Genetics Tuebingen Variant Classification Criteria Version 2. Collection method: clinical testing. Allele origin: germline. Affected: yes. Observed: 1 variant allele.
Comment: SLC5A6: BP4, BS1, BS2

NM_021095.4(SLC5A6):c.396C>T (p.Tyr132=)

Gene: SLC5A6 (solute carrier family 5 member 6; minus strand). Cytogenetic location: 2p23.3.
Variant type: single nucleotide variant.
Coding change: c.396C>T on transcript NM_021095.4 (MANE Select); coding-DNA position 396, C replaced by T.
Protein change: p.Tyr132=; no amino-acid change (tyrosine 132 retained).
Molecular consequence: synonymous variant. On other transcripts: non-coding transcript variant (1).
Genome position (GRCh38, 1-based): chr2:27,206,940, G>A on the plus strand (C>T on the coding strand, the complement: SLC5A6 is on the minus strand). VCF-style: chr2-27206940-G-A. GRCh37 (hg19) VCF-style: chr2-27429808-G-A.
Identifiers: ClinVar variation 3341550 (VCV003341550.16).